The following is an entry in ClinVar:

NM_001173464.2(KIF21A):c.4277C>T (p.Thr1426Met)

Gene: KIF21A (kinesin family member 21A; minus strand). Cytogenetic location: 12q12.
Variant type: single nucleotide variant.
Coding change: c.4277C>T on transcript NM_001173464.2 (MANE Select); coding-DNA position 4277, C replaced by T.
Protein change: p.Thr1426Met; replaces threonine 1426 with methionine.
Molecular consequence: missense variant.
Genome position (GRCh38, 1-based): chr12:39,309,586, G>A on the plus strand (C>T on the coding strand, the complement: KIF21A is on the minus strand). VCF-style: chr12-39309586-G-A. GRCh37 (hg19) VCF-style: chr12-39703388-G-A.
Other names: c.4166C>T, p.Thr1389Met (NM_001173463.2); c.4118C>T, p.Thr1373Met (NM_001173465.2); c.4238C>T, p.Thr1413Met (NM_017641.4); short protein forms T1426M, T1413M, T1373M, T1389M.
Identifiers: ClinVar variation 308552 (VCV000308552.5), dbSNP rs781214904, ClinGen allele CA6510226.
Genomic context (GRCh38, chr12:39,309,586, plus strand): 5'-AAAAAAAAAAAAAAAGAAGAGCTATTCCTCCTTTATGCTATATGTCTTCAAGTTACTTAC[G>A]TTAGTGTTCGAATGCACTTTGCTGAATCTCTGATATCCCACACCTTAATATAAGATGTTG-3'
Protein context (NP_001166935.1, residues 1416-1436): RDSAKCIRTL[Thr1426Met]SSGQVTLGDA

ClinVar aggregate classification (germline): Likely benign (1 of 4 stars; one submission).

Conditions:
Congenital fibrosis of extraocular muscles type 1. Also called: CFEOM3B; BLEPHAROPTOSIS WITH ABSENT EYE MOVEMENTS; OPHTHALMOPLEGIA, CONGENITAL; FEOM1 LOCUS. Identifiers: MedGen C1851102, MONDO:0021083, OMIM 135700.

Allele frequency attached by ClinVar (database versions not stated): gnomAD 0.00005 and 0.00006; TOPMed 0.00005; gnomAD exomes 0.00006 and 0.00012; ExAC 0.00004.
gnomAD v4.1: 179 of 1,603,192 alleles (0.011%); highest among the groups gnomAD compares: Non-Finnish European, 0.014%; no homozygotes.

Submission:

Illumina Laboratory Services, Illumina
Classification: Likely benign for Congenital fibrosis of extraocular muscles type 1. Last evaluated: 2018-01-13. Review status: criteria provided, single submitter. Criteria: ICSL Variant Classification Criteria 13 December 2019. Collection method: clinical testing. Allele origin: germline.
Comment: This variant was observed in the ICSL laboratory as part of a predisposition screen in an ostensibly healthy population. It had not been previously curated by ICSL or reported in the Human Gene Mutation Database (HGMD: prior to June 1st, 2018), and was therefore a candidate for classification through an automated scoring system. Utilizing variant allele frequency, disease prevalence and penetrance estimates, and inheritance mode, an automated score was calculated to assess if this variant is too frequent to cause the disease. Based on the score and internal cut-off values, a variant classified as likely benign is not then subjected to further curation. The score for this variant resulted in a classification of likely benign for this disease.